The following is an entry in ClinVar:

ClinVar aggregate classification (germline): Uncertain significance (1 of 4 stars; one submission).

Allele frequency attached by ClinVar (database versions not stated): gnomAD 0.00001; TOPMed 0.00002; gnomAD exomes 0.00003; ExAC 0.00005.

Submission:

Labcorp Genetics (formerly Invitae), Labcorp
Classification: Uncertain significance. Last evaluated: 2022-07-25. Review status: criteria provided, single submitter. Criteria: Invitae Variant Classification Sherloc (09022015). Collection method: clinical testing. Allele origin: germline.
Comment: This sequence change replaces threonine, which is neutral and polar, with methionine, which is neutral and non-polar, at codon 69 of the RBP3 protein (p.Thr69Met). In summary, the available evidence is currently insufficient to determine the role of this variant in disease. Therefore, it has been classified as a Variant of Uncertain Significance. Algorithms developed to predict the effect of missense changes on protein structure and function output the following: SIFT: "Tolerated"; PolyPhen-2: "Possibly Damaging"; Align-GVGD: "Class C0". The methionine amino acid residue is found in multiple mammalian species, which suggests that this missense change does not adversely affect protein function. ClinVar contains an entry for this variant (Variation ID: 1512531). This variant has not been reported in the literature in individuals affected with RBP3-related conditions. This variant is present in population databases (rs782729460, gnomAD 0.01%).

NM_002900.3(RBP3):c.206C>T (p.Thr69Met)

Gene: RBP3 (retinol binding protein 3; plus strand). Cytogenetic location: 10q11.22.
Variant type: single nucleotide variant.
Coding change: c.206C>T on transcript NM_002900.3 (MANE Select); coding-DNA position 206, C replaced by T.
Protein change: p.Thr69Met; replaces threonine 69 with methionine.
Molecular consequence: missense variant.
Genome position (GRCh38, 1-based): chr10:47,348,690, C>T. VCF-style: chr10-47348690-C-T. GRCh37 (hg19) VCF-style: chr10-48390672-G-A.
Other names: short protein forms T69M.
Identifiers: ClinVar variation 1512531 (VCV001512531.6), dbSNP rs782729460, ClinGen allele CA5487842.